The following is an entry in ClinVar:

ClinVar aggregate classification (germline): Conflicting classifications of pathogenicity. Review status: criteria provided, conflicting classifications (1 of 4 stars). 3 submissions from 3 submitters: Uncertain significance (1); Benign (1); Likely benign (1). Last evaluated 2026-01-26.

Conditions:
MUSK-related disorder. Also called: MUSK-related condition; MUSK-related disorders.
Congenital myasthenic syndrome 9. Also called: Myasthenic syndrome, congenital, 9, associated with acetylcholine receptor deficiency. Identifiers: Orphanet 590, MedGen C4225368, MONDO:0014587, OMIM 616325.
Fetal akinesia deformation sequence 1 (FADS1). Also called: Pena-Shokeir syndrome type I; Fetal akinesia sequence. Identifiers: Orphanet 994, MedGen C1276035, MONDO:0100101, OMIM 208150, HP:0001989.

Allele frequency attached by ClinVar (database versions not stated): gnomAD below 0.00001 and 0.00005; TOPMed 0.00002; 1000 Genomes Project 30x 0.00031; 1000 Genomes Project 0.00040; ExAC 0.00041.
gnomAD v4.1: 263 of 1,613,830 alleles (0.016%); highest among the groups gnomAD compares: South Asian, 0.27%; 3 homozygotes.

Submissions (3):

Labcorp Genetics (formerly Invitae), Labcorp
Classification: Benign for Congenital myasthenic syndrome 9; Fetal akinesia deformation sequence 1. Last evaluated: 2026-01-26. Review status: criteria provided, single submitter. Criteria: Invitae Variant Classification Sherloc (09022015). Collection method: clinical testing. Allele origin: germline.

PreventionGenetics, part of Exact Sciences
Classification: Likely benign for MUSK-related condition. Last evaluated: 2025-01-22. Review status: criteria provided, single submitter. Criteria: ACMG Guidelines, 2015. Collection method: clinical testing. Allele origin: germline.
Comment: This variant is classified as likely benign based on ACMG/AMP sequence variant interpretation guidelines (Richards et al. 2015 PMID: 25741868, with internal and published modifications).

Illumina Laboratory Services, Illumina
Classification: Uncertain significance for Congenital myasthenic syndrome 9. Last evaluated: 2018-01-13. Review status: criteria provided, single submitter. Criteria: ICSL Variant Classification Criteria 13 December 2019. Collection method: clinical testing. Allele origin: germline.

NM_005592.4(MUSK):c.1250C>T (p.Thr417Ile)

Gene: MUSK (muscle associated receptor tyrosine kinase; plus strand). Cytogenetic location: 9q31.3.
Variant type: single nucleotide variant.
Coding change: c.1250C>T on transcript NM_005592.4 (MANE Select); coding-DNA position 1250, C replaced by T.
Protein change: p.Thr417Ile; replaces threonine 417 with isoleucine.
Molecular consequence: missense variant.
Genome position (GRCh38, 1-based): chr9:110,775,853, C>T. VCF-style: chr9-110775853-C-T. GRCh37 (hg19) VCF-style: chr9-113538133-C-T.
Other names: c.1016C>T, p.Thr339Ile (NM_001166280.2); c.986C>T, p.Thr329Ile (NM_001166281.2); c.14C>T, p.Thr5Ile (NM_001369398.1); short protein forms T417I, T329I, T339I, T5I.
Identifiers: ClinVar variation 364607 (VCV000364607.14), dbSNP rs538655454, ClinGen allele CA5184311.